The following is an entry in ClinVar:

ClinVar aggregate classification (germline): Uncertain significance (1 of 4 stars; one submission).

Conditions:
Atrioventricular septal defect 4 (AVSD4). Identifiers: MedGen C3280781, MONDO:0013747, OMIM 614430.

Submission:

Labcorp Genetics (formerly Invitae), Labcorp
Classification: Uncertain significance for Atrioventricular septal defect 4. Last evaluated: 2025-07-14. Review status: criteria provided, single submitter. Criteria: Invitae Variant Classification Sherloc (09022015). Collection method: clinical testing. Allele origin: germline.
Comment: This sequence change replaces arginine, which is basic and polar, with glutamine, which is neutral and polar, at codon 195 of the GATA4 protein (p.Arg195Gln). The frequency data for this variant in the population databases is considered unreliable, as metrics indicate poor data quality at this position in the gnomAD database. This variant has not been reported in the literature in individuals affected with GATA4-related conditions. ClinVar contains an entry for this variant (Variation ID: 3707984). Invitae Evidence Modeling of protein sequence and biophysical properties (such as structural, functional, and spatial information, amino acid conservation, physicochemical variation, residue mobility, and thermodynamic stability) indicates that this missense variant is not expected to disrupt GATA4 protein function with a negative predictive value of 95%. In summary, the available evidence is currently insufficient to determine the role of this variant in disease. Therefore, it has been classified as a Variant of Uncertain Significance.

NM_001308093.3(GATA4):c.584G>A (p.Arg195Gln)

Gene: GATA4 (GATA binding protein 4). Cytogenetic location: 8p23.1.
Variant type: single nucleotide variant.
Coding change: c.584G>A on transcript NM_001308093.3 (MANE Select); coding-DNA position 584, G replaced by A.
Protein change: p.Arg195Gln; replaces arginine 195 with glutamine.
Molecular consequence: missense variant. On other transcripts: intron variant (3).
Genome position (GRCh38, 1-based): chr8:11,708,896, G>A. VCF-style: chr8-11708896-G-A. GRCh37 (hg19) VCF-style: chr8-11566405-G-A.
Other names: c.584G>A, p.Arg195Gln (NM_002052.5); c.-6+8118G>A (NM_001308094.2); c.-3+882G>A (NM_001374274.1); c.-3+4592G>A (NM_001374273.1); short protein forms R195Q.
Identifiers: ClinVar variation 3707984 (VCV003707984.2).